The following is an entry in ClinVar:

ClinVar aggregate classification (germline): Likely pathogenic (1 of 4 stars; one submission).

Submission:

GeneDx
Classification: Likely pathogenic. Last evaluated: 2016-08-04. Review status: criteria provided, single submitter. Criteria: GeneDx Variant Classification (06012015). Collection method: clinical testing. Allele origin: germline. Affected: yes.
Comment: The E1022Q variant in the LARS gene has not been reported previously as a pathogenic variant, nor as a benign variant, to our knowledge. The E1022Q variant was not observed in approximately 6,500 individuals of European and African American ancestry in the NHLBI Exome Sequencing Project, indicating it is not a common benign variant in these populations. The E1022Q variant is a semi-conservative amino acid substitution, which may impact secondary protein structure as these residues differ in some properties. This substitution occurs at a position that is conserved across species. In silico analysis is inconsistent in its predictions as to whether or not the variant is damaging to the protein structure/function. The E1022Q variant is a strong candidate for a pathogenic variant, however the possibility it may be a rare benign variant cannot be excluded.

NM_020117.11(LARS1):c.3064G>C (p.Glu1022Gln)

Gene: LARS1 (leucyl-tRNA synthetase 1; minus strand). Cytogenetic location: 5q32.
Variant type: single nucleotide variant.
Coding change: c.3064G>C on transcript NM_020117.11 (MANE Select); coding-DNA position 3064, G replaced by C.
Protein change: p.Glu1022Gln; replaces glutamic acid 1022 with glutamine.
Molecular consequence: missense variant.
Genome position (GRCh38, 1-based): chr5:146,124,014, C>G on the plus strand (G>C on the coding strand, the complement: LARS1 is on the minus strand). VCF-style: chr5-146124014-C-G. GRCh37 (hg19) VCF-style: chr5-145503577-C-G.
Other names: c.2926G>C, p.Glu976Gln (NM_001317964.2); c.2902G>C, p.Glu968Gln (NM_001317965.2); c.2983G>C, p.Glu995Gln (NM_016460.4); short protein forms E1022Q, E976Q, E968Q, E995Q.
Identifiers: ClinVar variation 388497 (VCV000388497.2), dbSNP rs1057523129, ClinGen allele CA16604868.